The following is an entry in ClinVar:

ClinVar aggregate classification (germline): Benign/Likely benign. Review status: criteria provided, multiple submitters, no conflicts (2 of 4 stars). 33 submissions from 32 submitters: Benign (13); Likely benign (9). 11 of the submissions do not count toward it. Last evaluated 2026-09-01.

Conditions:
Familial ovarian cancer. Identifiers: MedGen C5679802, MONDO:0016248.
Breast-ovarian cancer, familial, susceptibility to, 5 (BROVCA5). Identifiers: MedGen C5830615, MONDO:0957530, OMIM 620442.
Hereditary cancer-predisposing syndrome. Also called: Neoplastic Syndromes, Hereditary; Hereditary Cancer Syndrome; Tumor predisposition; Hereditary neoplastic syndrome. Identifiers: Orphanet 140162, MedGen C0027672, MeSH D009386, MONDO:0015356.
Familial cancer of breast. Also called: hereditary breast carcinoma; BREAST CANCER, FAMILIAL; Hereditary breast cancer. Identifiers: Orphanet 227535, MedGen C0346153, MONDO:0016419, OMIM 114480. Disease mechanism: loss of function.
Fanconi anemia complementation group N. Also called: PALB2-Related Fanconi Anemia. Identifiers: Orphanet 84, MedGen C1835817, MONDO:0012565, OMIM 610832. Disease mechanism: loss of function.
Pancreatic cancer, susceptibility to, 3. Identifiers: Orphanet 1333, MedGen C3150547, MONDO:0013236, OMIM 613348.
Breast and/or ovarian cancer. Identifiers: MedGen CN221562.
Malignant tumor of breast. Also called: Malignant breast neoplasm; Cancer breast. Identifiers: MedGen C0006142, MONDO:0007254. Disease mechanism: loss of function.

Allele frequency attached by ClinVar (database versions not stated): 1000 Genomes Project 30x 0.00094; 1000 Genomes Project 0.00100; TOPMed 0.00296; ESP Exome Variant Server 0.00431; gnomAD 0.00438 and 0.00449; gnomAD exomes 0.00482 and 0.00517; ExAC 0.00597.
gnomAD v4.1: 7,623 of 1,607,918 alleles (0.47%); highest among the groups gnomAD compares: Non-Finnish European, 0.51%; 29 homozygotes.

Submissions 1 to 26 of 56:

CeGaT Center for Human Genetics Tuebingen
Classification: Likely benign. Last evaluated: 2026-09-01. Review status: criteria provided, single submitter. Criteria: CeGaT Center For Human Genetics Tuebingen Variant Classification Criteria Version 2. Collection method: clinical testing. Allele origin: germline. Affected: yes. Observed: 94 variant alleles.
Comment: PALB2: BP4, BS2

Labcorp Genetics (formerly Invitae), Labcorp
Classification: Benign for Familial cancer of breast. Last evaluated: 2026-02-04. Review status: criteria provided, single submitter. Criteria: Invitae Variant Classification Sherloc (09022015). Collection method: clinical testing. Allele origin: germline.

ARUP Laboratories, Molecular Genetics and Genomics, ARUP Laboratories
Classification: Benign. Last evaluated: 2025-05-06. Review status: criteria provided, single submitter. Criteria: ARUP Molecular Germline Variant Investigation Process 2024. Collection method: clinical testing. Allele origin: germline.

Center for Genomic Medicine, Rigshospitalet, Copenhagen University Hospital
Classification: Likely benign. Last evaluated: 2025-03-04. Review status: criteria provided, single submitter. Criteria: ACMG Guidelines, 2015. Collection method: clinical testing. Allele origin: germline.

Myriad Genetics, Inc.
Classification: Benign for Familial cancer of breast. Last evaluated: 2025-01-17. Review status: criteria provided, single submitter. Criteria: Myriad Autosomal Dominant, Autosomal Recessive and X-Linked Classification Criteria (2023). Collection method: clinical testing. Allele origin: unknown.
Comment: This variant is considered benign. This variant is strongly associated with less severe personal and family histories of cancer, typical for individuals without pathogenic variants in this gene [PMID: 25085752]. This variant has been observed at a population frequency that is significantly greater than expected given the associated disease prevalence and penetrance.

Blueprint Genetics
Classification: Likely benign. Last evaluated: 2024-11-26. Review status: criteria provided, single submitter. Criteria: ACMG Guidelines, 2015. Collection method: clinical testing. Allele origin: germline.

Mayo Clinic Laboratories, Mayo Clinic
Classification: Benign. Last evaluated: 2024-11-06. Review status: criteria provided, single submitter. Criteria: ACMG Guidelines, 2015. Collection method: clinical testing. Allele origin: germline. Observed: 5 variant alleles.
Comment: BA1, BP4

KCCC/NGS Laboratory, Kuwait Cancer Control Center
Classification: Benign for Breast-ovarian cancer, familial, susceptibility to, 5. Last evaluated: 2023-07-07. Review status: criteria provided, single submitter. Criteria: ACMG Guidelines, 2015. Collection method: clinical testing. Allele origin: germline. Affected: yes.

Fulgent Genetics
Classification: Benign for Familial cancer of breast; Fanconi anemia complementation group N; Pancreatic cancer, susceptibility to, 3. Last evaluated: 2022-04-06. Review status: criteria provided, single submitter. Criteria: ACMG Guidelines, 2015. Collection method: clinical testing. Allele origin: unknown.

CHEO Genetics Diagnostic Laboratory, Children's Hospital of Eastern Ontario
Classification: Benign for Breast and/or ovarian cancer. Last evaluated: 2022-03-02. Review status: criteria provided, single submitter. Criteria: ACMG Guidelines, 2015. Collection method: clinical testing. Allele origin: germline.

Sema4
Classification: Benign for Hereditary cancer-predisposing syndrome. Last evaluated: 2020-07-15. Review status: criteria provided, single submitter. Criteria: Sema4 Curation Guidelines. Collection method: curation. Allele origin: germline.

Mendelics
Classification: Likely benign for Familial cancer of breast. Last evaluated: 2019-05-28. Review status: criteria provided, single submitter. Criteria: Mendelics Assertion Criteria 2017. Collection method: clinical testing. Allele origin: unknown.

Eurofins Ntd Llc (ga)
Classification: Benign. Last evaluated: 2018-04-03. Review status: criteria provided, single submitter. Criteria: EGL ClinVar v180209 classification definitions. Collection method: clinical testing. Allele origin: germline. Observed: 1 variant allele, 1 heterozygote.

Illumina Laboratory Services, Illumina
Classification: Likely benign for Fanconi anemia complementation group N. Last evaluated: 2018-03-06. Review status: criteria provided, single submitter. Criteria: ICSL Variant Classification Criteria 13 December 2019. Collection method: clinical testing. Allele origin: germline.
Comment: This variant was observed in the ICSL laboratory as part of a predisposition screen in an ostensibly healthy population. It had not been previously curated by ICSL or reported in the Human Gene Mutation Database (HGMD: prior to June 1st, 2018), and was therefore a candidate for classification through an automated scoring system. Utilizing variant allele frequency, disease prevalence and penetrance estimates, and inheritance mode, an automated score was calculated to assess if this variant is too frequent to cause the disease. Based on the score and internal cut-off values, a variant classified as likely benign is not then subjected to further curation. The score for this variant resulted in a classification of likely benign for this disease.

Center for Pediatric Genomic Medicine, Children's Mercy Hospital and Clinics
Classification: Likely benign. Last evaluated: 2017-02-17. Review status: criteria provided, single submitter. Criteria: ACMG Guidelines, 2015. Collection method: clinical testing. Allele origin: germline.

Institute for Biomarker Research, Medical Diagnostic Laboratories, L.L.C.
Classification: Likely benign for Hereditary cancer-predisposing syndrome. Last evaluated: 2017-02-14. Review status: criteria provided, single submitter. Criteria: ACMG Guidelines, 2015. Collection method: clinical testing. Allele origin: germline.

GeneDx
Classification: Benign. Last evaluated: 2016-10-03. Review status: criteria provided, single submitter. Criteria: GeneDx Variant Classification (06012015). Collection method: clinical testing. Allele origin: germline. Affected: yes.
Comment: This variant is considered likely benign or benign based on one or more of the following criteria: it is a conservative change, it occurs at a poorly conserved position in the protein, it is predicted to be benign by multiple in silico algorithms, and/or has population frequency not consistent with disease.

Cancer Genetics Laboratory, Peter MacCallum Cancer Centre
Classification: Likely benign for Familial cancer of breast. Last evaluated: 2015-06-01. Review status: criteria provided, single submitter. Criteria: Thompson et al. (Breast Cancer Res. 2015). Collection method: case-control. Allele origin: germline. Affected: yes and no. Observed: 46 variant alleles, 46 heterozygotes.

Color Diagnostics, LLC DBA Color Health
Classification: Benign for Hereditary cancer-predisposing syndrome. Last evaluated: 2014-11-26. Review status: criteria provided, single submitter. Criteria: ACMG Guidelines, 2015. Collection method: clinical testing. Allele origin: germline.

Ambry Genetics
Classification: Benign for Hereditary cancer-predisposing syndrome. Last evaluated: 2014-08-05. Review status: criteria provided, single submitter. Criteria: Ambry Variant Classification Scheme 2023. Collection method: clinical testing. Allele origin: germline.

Breakthrough Genomics
Classification: Likely benign. Review status: criteria provided, single submitter. Criteria: ACMG Guidelines, 2015. Collection method: not provided. Allele origin: germline. Inheritance: Autosomal dominant inheritance. Affected: yes.

PreventionGenetics, part of Exact Sciences
Classification: Benign. Review status: criteria provided, single submitter. Criteria: ACMG Guidelines, 2015. Collection method: clinical testing. Allele origin: germline.

Leiden Open Variation Database
Classification: Likely benign. Last evaluated: 2019-09-18. Review status: no assertion criteria provided. Collection method: curation. Allele origin: germline. Affected: no. Not counted in ClinVar's aggregate classification.
Comment: Curators: Marc Tischkowitz, Arleen D. Auerbach. Submitters to LOVD: Andreas Laner, Carlos Vaccaro, Marc Tischkowitz, Melissa DeRycke.

True Health Diagnostics
Classification: Likely benign for Hereditary cancer-predisposing syndrome. Last evaluated: 2018-02-20. Review status: no assertion criteria provided. Collection method: clinical testing. Allele origin: germline. Not counted in ClinVar's aggregate classification.

Pathway Genomics
Classification: Benign for Breast carcinoma. Last evaluated: 2014-11-06. Review status: no assertion criteria provided. Collection method: clinical testing. Allele origin: germline. Not counted in ClinVar's aggregate classification.

ITMI
No classification provided. Condition: AllHighlyPenetrant. Last evaluated: 2013-09-19. Review status: no classification provided. Collection method: reference population. Allele origin: germline. Not counted in ClinVar's aggregate classification.
Comment: Please see associated publication for description of ethnicities

NM_024675.4(PALB2):c.2794G>A (p.Val932Met)

Gene: PALB2 (partner and localizer of BRCA2; minus strand). Cytogenetic location: 16p12.2.
Variant type: single nucleotide variant.
Coding change: c.2794G>A on transcript NM_024675.4 (MANE Select); coding-DNA position 2794, G replaced by A.
Protein change: p.Val932Met; replaces valine 932 with methionine.
Molecular consequence: missense variant.
Genome position (GRCh38, 1-based): chr16:23,624,049, C>T on the plus strand (G>A on the coding strand, the complement: PALB2 is on the minus strand). VCF-style: chr16-23624049-C-T. GRCh37 (hg19) VCF-style: chr16-23635370-C-T.
Other names: p.V932M:GTG>ATG; short protein forms V932M.
Identifiers: ClinVar variation 126682 (VCV000126682.124), dbSNP rs45624036, ClinGen allele CA151236.